The following is an entry in ClinVar:

NM_000059.4(BRCA2):c.7591G>A (p.Val2531Ile)

Gene: BRCA2 (BRCA2 DNA repair associated; plus strand). Cytogenetic location: 13q13.1.
Variant type: single nucleotide variant.
Coding change: c.7591G>A on transcript NM_000059.4 (MANE Select); coding-DNA position 7591, G replaced by A.
Protein change: p.Val2531Ile; replaces valine 2531 with isoleucine.
Molecular consequence: missense variant.
Genome position (GRCh38, 1-based): chr13:32,356,583, G>A. VCF-style: chr13-32356583-G-A. GRCh37 (hg19) VCF-style: chr13-32930720-G-A.
Other names: short protein forms V2531I.
Identifiers: ClinVar variation 1465725 (VCV001465725.6), dbSNP rs2137563390, ClinGen allele CA387743888.

ClinVar aggregate classification (germline): Uncertain significance (1 of 4 stars; one submission).

Conditions:
Hereditary breast ovarian cancer syndrome. Also called: Hereditary breast and ovarian cancer; Breast and ovarian cancer; BRCA1- and BRCA2-Associated Hereditary Breast and Ovarian Cancer; Hereditary breast and/or ovarian cancer syndrome; Hereditary breast and ovarian cancer syndrome; Hereditary breast and ovarian cancer syndrome (HBOC). Identifiers: Orphanet 145, MedGen C0677776, MeSH D061325, MONDO:0003582. Disease mechanism: loss of function.

Submission:

Labcorp Genetics (formerly Invitae), Labcorp
Classification: Uncertain significance for Hereditary breast ovarian cancer syndrome. Last evaluated: 2021-08-13. Review status: criteria provided, single submitter. Criteria: Invitae Variant Classification Sherloc (09022015). Collection method: clinical testing. Allele origin: germline.
Comment: This sequence change replaces valine with isoleucine at codon 2531 of the BRCA2 protein (p.Val2531Ile). The valine residue is weakly conserved and there is a small physicochemical difference between valine and isoleucine. In summary, the available evidence is currently insufficient to determine the role of this variant in disease. Therefore, it has been classified as a Variant of Uncertain Significance. Advanced modeling of protein sequence and biophysical properties (such as structural, functional, and spatial information, amino acid conservation, physicochemical variation, residue mobility, and thermodynamic stability) performed at Invitae indicates that this missense variant is not expected to disrupt BRCA2 protein function. This variant has not been reported in the literature in individuals affected with BRCA2-related conditions. This variant is not present in population databases (ExAC no frequency).